The following is an entry in ClinVar:

ClinVar aggregate classification (germline): Uncertain significance (1 of 4 stars; one submission).

Conditions:
Thrombophilia due to protein S deficiency, autosomal recessive (THPH6). Identifiers: Orphanet 743, MedGen C3281092, MONDO:0013791, OMIM 614514. Disease mechanism: loss of function.

Submission:

Labcorp Genetics (formerly Invitae), Labcorp
Classification: Uncertain significance for Thrombophilia due to protein S deficiency, autosomal recessive. Last evaluated: 2020-10-29. Review status: criteria provided, single submitter. Criteria: Invitae Variant Classification Sherloc (09022015). Collection method: clinical testing. Allele origin: germline.
Comment: This variant is not present in population databases (ExAC no frequency). In summary, the available evidence is currently insufficient to determine the role of this variant in disease. Therefore, it has been classified as a Variant of Uncertain Significance. Experimental studies have shown that this variant affects PROS1 protein function (PMID: 19826897). This variant has been observed in individual(s) with protein S deficiency (PMID: 19826897). This sequence change replaces threonine with alanine at codon 617 of the PROS1 protein (p.Thr617Ala). The threonine residue is highly conserved and there is a small physicochemical difference between threonine and alanine.

Literature cited by the submitters: PubMed 19826897.

NM_000313.4(PROS1):c.1849A>G (p.Thr617Ala)

Gene: PROS1 (protein S; minus strand). Cytogenetic location: 3q11.1.
Variant type: single nucleotide variant.
Coding change: c.1849A>G on transcript NM_000313.4 (MANE Select); coding-DNA position 1849, A replaced by G.
Protein change: p.Thr617Ala; replaces threonine 617 with alanine.
Molecular consequence: missense variant.
Genome position (GRCh38, 1-based): chr3:93,876,987, T>C on the plus strand (A>G on the coding strand, the complement: PROS1 is on the minus strand). VCF-style: chr3-93876987-T-C. GRCh37 (hg19) VCF-style: chr3-93595831-T-C.
Other names: c.1945A>G, p.Thr649Ala (NM_001314077.2); short protein forms T649A, T617A.
Identifiers: ClinVar variation 1488865 (VCV001488865.8), dbSNP rs2107124973, ClinGen allele CA353670857.